The following is an entry in ClinVar:

NM_002087.4(GRN):c.1006G>C (p.Glu336Gln)

Gene: GRN (granulin precursor; plus strand). Cytogenetic location: 17q21.31.
Variant type: single nucleotide variant.
Coding change: c.1006G>C on transcript NM_002087.4 (MANE Select); coding-DNA position 1006, G replaced by C.
Protein change: p.Glu336Gln; replaces glutamic acid 336 with glutamine.
Molecular consequence: missense variant.
Genome position (GRCh38, 1-based): chr17:44,351,622, G>C. VCF-style: chr17-44351622-G-C. GRCh37 (hg19) VCF-style: chr17-42428990-G-C.
Other names: short protein forms E336Q.
Identifiers: ClinVar variation 2929601 (VCV002929601.3), dbSNP rs2048375191, ClinGen allele CA399765263.

ClinVar aggregate classification (germline): Uncertain significance (1 of 4 stars; one submission).

Conditions:
GRN-related frontotemporal lobar degeneration with Tdp43 inclusions (FTD2). Also called: GRN Frontotemporal Dementia; FRONTOTEMPORAL DEMENTIA WITH TDP43 INCLUSIONS, GRN-RELATED; DEMENTIA, HEREDITARY DYSPHASIC DISINHIBITION; FRONTOTEMPORAL LOBAR DEGENERATION WITH UBIQUITIN-POSITIVE INCLUSIONS; FTLD-TDP, GRN-RELATED. Identifiers: Orphanet 100070, Orphanet 282, MedGen C1843792, MONDO:0011842, OMIM 607485. Disease mechanism: loss of function.
Neuronal ceroid lipofuscinosis 11. Also called: GRN-Related Neuronal Ceroid-Lipofuscinosis. Identifiers: Orphanet 314629, Orphanet 79262, MedGen C3539123, MONDO:0013866, OMIM 614706.

Allele frequency attached by ClinVar (database versions not stated): gnomAD exomes below 0.00001; TOPMed below 0.00001.
gnomAD v4.1: 1 of 1,614,084 alleles (0.000062%); highest among the groups gnomAD compares: Admixed American, 0.0017%; no homozygotes.

Submission:

Labcorp Genetics (formerly Invitae), Labcorp
Classification: Uncertain significance for Neuronal ceroid lipofuscinosis 11; GRN-related frontotemporal lobar degeneration with Tdp43 inclusions. Last evaluated: 2024-03-18. Review status: criteria provided, single submitter. Criteria: Invitae Variant Classification Sherloc (09022015). Collection method: clinical testing. Allele origin: germline.
Comment: This sequence change replaces glutamic acid, which is acidic and polar, with glutamine, which is neutral and polar, at codon 336 of the GRN protein (p.Glu336Gln). This variant is not present in population databases (gnomAD no frequency). This variant has not been reported in the literature in individuals affected with GRN-related conditions. Advanced modeling of protein sequence and biophysical properties (such as structural, functional, and spatial information, amino acid conservation, physicochemical variation, residue mobility, and thermodynamic stability) performed at Invitae indicates that this missense variant is not expected to disrupt GRN protein function with a negative predictive value of 80%. In summary, the available evidence is currently insufficient to determine the role of this variant in disease. Therefore, it has been classified as a Variant of Uncertain Significance.